The following is an entry in ClinVar:

NC_000023.11:g.(31147519_31169442)_(31658145_31679374)dup

Gene: DMD (dystrophin; minus strand). Cytogenetic location: Xp21.2-21.1.
Variant type: Duplication.
Identifiers: ClinVar variation 981993 (VCV000981993.2).

ClinVar aggregate classification (germline): Likely pathogenic (1 of 4 stars; one submission).

Conditions:
Neuromuscular disease caused by qualitative or quantitative defects of dystrophin. Also called: Qualitative or quantitative defects of dystrophin. Identifiers: Orphanet 207085, MedGen C5679787, MONDO:0016147.

Submission:

Women's Health and Genetics/Laboratory Corporation of America, LabCorp
Classification: Likely pathogenic for Neuromuscular disease caused by qualitative or quantitative defects of dystrophin. Last evaluated: 2025-03-06. Review status: criteria provided, single submitter. Criteria: LabCorp Variant Classification Summary - May 2015. Collection method: clinical testing. Allele origin: germline.
Comment: Variant summary: The variant involves the duplication of exons 54-74 in the DMD gene. A presumed nomenclature of c.(7872+1_7873-1)_(10553+1_10554-1)dup has been designated for the purposes of this classification. It is assumed to be a tandem duplication in direct orientation (PMIDs: 25640679, 30054569). This Copy Number Variant (CNV) is expected to alter the reading frame and predicted to result in a truncation or absence of the encoded protein due to nonsense mediated decay (NMD). The variant was absent in 95227 control chromosomes in the gnomAD database (Structural Variants v4.1 dataset). Duplication of exons 54-74 has been reported in the literature in at least one male affected with Duchenne muscular dystrophy (Ling_2020). To our knowledge, no experimental evidence demonstrating an impact on protein function has been reported. The following publication have been ascertained in the context of this evaluation (PMID: 31705731). ClinVar contains an entries for this variant (Variation IDs: 981993; 3243297). Based on the evidence outlined above, the variant was classified as likely pathogenic.

Literature cited by the submitters: PubMed 31705731.